The following is an entry in ClinVar:

NM_000222.3(KIT):c.500A>G (p.Lys167Arg)

Gene: KIT (KIT proto-oncogene, receptor tyrosine kinase; plus strand). Cytogenetic location: 4q12.
Variant type: single nucleotide variant.
Coding change: c.500A>G on transcript NM_000222.3 (MANE Select); coding-DNA position 500, A replaced by G.
Protein change: p.Lys167Arg; replaces lysine 167 with arginine.
Molecular consequence: missense variant.
Genome position (GRCh38, 1-based): chr4:54,698,446, A>G. VCF-style: chr4-54698446-A-G. GRCh37 (hg19) VCF-style: chr4-55564612-A-G.
Other names: c.500A>G, p.Lys167Arg (NM_001093772.2, NM_001385284.1, NM_001385285.1 and 4 more transcripts); c.500A>G (NM_000222.2); short protein forms K167R.
Identifiers: ClinVar variation 1011105 (VCV001011105.10), dbSNP rs1720230800, ClinGen allele CA356897721.
Genomic context (GRCh38, chr4:54,698,446, plus strand): 5'-CCCTCAAGGGGTGCCAGGGGAAGCCTCTTCCCAAGGACTTGAGGTTTATTCCTGACCCCA[A>G]GGCGGGCATCATGATCAAAAGTGTGAAACGCGCCTACCATCGGCTCTGTCTGCATTGTTC-3'
Protein context (NP_000213.1, residues 157-177): PKDLRFIPDP[Lys167Arg]AGIMIKSVKR

ClinVar aggregate classification (germline): Conflicting classifications of pathogenicity. Review status: criteria provided, conflicting classifications (1 of 4 stars). 2 submissions from 2 submitters: Uncertain significance (1); Likely benign (1). Last evaluated 2025-06-19.

Conditions:
Hereditary cancer-predisposing syndrome. Also called: Neoplastic Syndromes, Hereditary; Hereditary Cancer Syndrome; Hereditary neoplastic syndrome; Tumor predisposition. Identifiers: Orphanet 140162, MedGen C0027672, MeSH D009386, MONDO:0015356.
Gastrointestinal stromal tumor. Also called: Gastrointestinal stromal tumor, somatic; Gastrointestinal stroma tumor. Identifiers: Orphanet 44890, MedGen C0238198, MeSH D046152, MONDO:0011719, OMIM 606764, HP:0100723.

Submissions (2):

Ambry Genetics
Classification: Likely benign for Hereditary cancer-predisposing syndrome. Last evaluated: 2025-06-19. Review status: criteria provided, single submitter. Criteria: Ambry Variant Classification Scheme 2023. Collection method: clinical testing. Allele origin: germline.

Labcorp Genetics (formerly Invitae), Labcorp
Classification: Uncertain significance for Gastrointestinal stromal tumor. Last evaluated: 2025-05-05. Review status: criteria provided, single submitter. Criteria: Invitae Variant Classification Sherloc (09022015). Collection method: clinical testing. Allele origin: germline.
Comment: This sequence change replaces lysine, which is basic and polar, with arginine, which is basic and polar, at codon 167 of the KIT protein (p.Lys167Arg). This variant is not present in population databases (gnomAD no frequency). This variant has not been reported in the literature in individuals affected with KIT-related conditions. ClinVar contains an entry for this variant (Variation ID: 1011105). An algorithm developed to predict the effect of missense changes on protein structure and function (PolyPhen-2) suggests that this variant is likely to be tolerated. In summary, the available evidence is currently insufficient to determine the role of this variant in disease. Therefore, it has been classified as a Variant of Uncertain Significance.